The following is an entry in ClinVar:

ClinVar aggregate classification (germline): Likely pathogenic (1 of 4 stars; one submission).

Conditions:
Joubert syndrome and related disorders. Identifiers: Orphanet 140874, MedGen C5679612, MONDO:0015369.

Submission:

Women's Health and Genetics/Laboratory Corporation of America, LabCorp
Classification: Likely pathogenic for Joubert syndrome and related disorders. Last evaluated: 2023-03-22. Review status: criteria provided, single submitter. Criteria: LabCorp Variant Classification Summary - May 2015. Collection method: clinical testing. Allele origin: germline.
Comment: Variant summary: The variant identified by MLPA or other technology involves the deletion of exon 2 in the TCTN1 gene. A presumed nomenclature of c.(220+1_221-1)_(341+1_342-1)del has been designated for the purposes of this classification. Although exact breakpoints of this deletion are not known, it is expected to result in a frameshift in the TCTN1 gene, a known mechanism of disease. The variant was absent in 21694 control chromosomes (gnomAD Structural Variants dataset). To our knowledge, no occurrence of c.(220+1_221-1)_(341+1_342-1)del in individuals affected with Joubert Syndrome And Related Disorders and no experimental evidence demonstrating its impact on protein function have been reported. No clinical diagnostic laboratories have submitted clinical-significance assessments for this variant to ClinVar after 2014. Based on the evidence outlined above, the variant was classified as likely pathogenic.

NC_000012.11:g.(111052208_111057640)_(111057762_111064166)del

Gene: TCTN1 (tectonic family member 1; plus strand). Cytogenetic location: 12q24.11.
Variant type: Deletion.
Identifiers: ClinVar variation 2501103 (VCV002501103.1).